The following is an entry in ClinVar:

NM_001184880.2(PCDH19):c.722C>A (p.Ser241Tyr)

Gene: PCDH19 (protocadherin 19; minus strand). Cytogenetic location: Xq22.1.
Variant type: single nucleotide variant.
Coding change: c.722C>A on transcript NM_001184880.2 (MANE Select); coding-DNA position 722, C replaced by A.
Protein change: p.Ser241Tyr; replaces serine 241 with tyrosine.
Molecular consequence: missense variant.
Genome position (GRCh38, 1-based): chrX:100,407,876, G>T on the plus strand (C>A on the coding strand, the complement: PCDH19 is on the minus strand). VCF-style: chrX-100407876-G-T. GRCh37 (hg19) VCF-style: chrX-99662874-G-T.
Other names: c.722C>A (NM_001184880.1); c.722C>A, p.Ser241Tyr (NM_001105243.2, NM_020766.3); short protein forms S241Y.
Identifiers: ClinVar variation 1010778 (VCV001010778.10), dbSNP rs1004810913, ClinGen allele CA333826087.

ClinVar aggregate classification (germline): Uncertain significance. Review status: criteria provided, multiple submitters, no conflicts (2 of 4 stars). 2 submissions from 2 submitters: Uncertain significance (2). Last evaluated 2025-07-08.

Conditions:
Inborn genetic diseases. Identifiers: MedGen C0950123, MeSH D030342.
Developmental and epileptic encephalopathy, 9 (DEE9). Also called: EPILEPSY, FEMALE-RESTRICTED, WITH MENTAL RETARDATION; Early infantile epileptic encephalopathy 9; JUBERG-HELLMAN SYNDROME; PCDH19-Related X-Linked Female-Limited Epilepsy with Mental Retardation. Identifiers: Orphanet 101039, Orphanet 2076, MedGen C1848137, MONDO:0010246, OMIM 300088. Disease mechanism: loss of function.

Allele frequency attached by ClinVar (database versions not stated): gnomAD 0.00001; gnomAD exomes 0.00001; TOPMed 0.00002.
gnomAD v4.1: 15 of 1,210,991 alleles (0.0012%); highest among the groups gnomAD compares: Non-Finnish European, 0.0016%; no homozygotes.

Submissions (2):

Ambry Genetics
Classification: Uncertain significance for Inborn genetic diseases. Last evaluated: 2025-07-08. Review status: criteria provided, single submitter. Criteria: Ambry Variant Classification Scheme 2023. Collection method: clinical testing. Allele origin: germline.

Labcorp Genetics (formerly Invitae), Labcorp
Classification: Uncertain significance for Developmental and epileptic encephalopathy, 9. Last evaluated: 2024-10-22. Review status: criteria provided, single submitter. Criteria: Invitae Variant Classification Sherloc (09022015). Collection method: clinical testing. Allele origin: germline.
Comment: This sequence change replaces serine, which is neutral and polar, with tyrosine, which is neutral and polar, at codon 241 of the PCDH19 protein (p.Ser241Tyr). This variant is not present in population databases (gnomAD no frequency). This variant has not been reported in the literature in individuals affected with PCDH19-related conditions. ClinVar contains an entry for this variant (Variation ID: 1010778). Invitae Evidence Modeling of protein sequence and biophysical properties (such as structural, functional, and spatial information, amino acid conservation, physicochemical variation, residue mobility, and thermodynamic stability) indicates that this missense variant is expected to disrupt PCDH19 protein function with a positive predictive value of 95%. In summary, the available evidence is currently insufficient to determine the role of this variant in disease. Therefore, it has been classified as a Variant of Uncertain Significance.